The following is an entry in ClinVar:

ClinVar aggregate classification (germline): Uncertain significance (1 of 4 stars; one submission).

Conditions:
Early-infantile DEE. Also called: Early infantile epileptic encephalopathy with suppression bursts; Early infantile epileptic encephalopathy; Ohtahara syndrome. Identifiers: Orphanet 1934, MedGen C0393706, MONDO:0800491.

Submission:

Labcorp Genetics (formerly Invitae), Labcorp
Classification: Uncertain significance for Early-infantile DEE. Last evaluated: 2021-06-01. Review status: criteria provided, single submitter. Criteria: Invitae Variant Classification Sherloc (09022015). Collection method: clinical testing. Allele origin: germline.
Comment: In summary, the available evidence is currently insufficient to determine the role of this variant in disease. Therefore, it has been classified as a Variant of Uncertain Significance. Nucleotide substitutions within the consensus splice site are a relatively common cause of aberrant splicing (PMID: 17576681, 9536098). Algorithms developed to predict the effect of sequence changes on RNA splicing suggest that this variant is not likely to affect RNA splicing, but this prediction has not been confirmed by published transcriptional studies. This variant has not been reported in the literature in individuals with SLC25A22-related conditions. This variant is not present in population databases (ExAC no frequency). This sequence change falls in intron 9 of the SLC25A22 gene. It does not directly change the encoded amino acid sequence of the SLC25A22 protein. It affects a nucleotide within the consensus splice site of the intron.

Literature cited by the submitters: PubMed 17576681; PubMed 9536098.

NM_001191061.2(SLC25A22):c.818+3G>A

Gene: SLC25A22 (solute carrier family 25 member 22; minus strand). Cytogenetic location: 11p15.5.
Variant type: single nucleotide variant.
Coding change: c.818+3G>A on transcript NM_001191061.2 (MANE Select); 3 bases into the intron after coding-DNA position 818, G replaced by A.
Molecular consequence: intron variant.
Genome position (GRCh38, 1-based): chr11:792,139, C>T on the plus strand (G>A on the coding strand, the complement: SLC25A22 is on the minus strand). VCF-style: chr11-792139-C-T. GRCh37 (hg19) VCF-style: chr11-792139-C-T.
Other names: c.818+3G>A (NM_001191060.2, NM_024698.6).
Identifiers: ClinVar variation 1467077 (VCV001467077.7), dbSNP rs1590117588, ClinGen allele CA2573147241.